The following is an entry in ClinVar:

ClinVar aggregate classification (germline): Benign. Review status: criteria provided, multiple submitters, no conflicts (2 of 4 stars). 4 submissions from 4 submitters: Benign (4). Last evaluated 2026-01-27.

Conditions:
Inborn genetic diseases. Identifiers: MedGen C0950123, MeSH D030342.
X-linked intellectual disability Cabezas type (MRXSC). Also called: CABEZAS SYNDROME; Intellectual developmental disorder, X-linked syndromic, Cabezas type; MENTAL RETARDATION, X-LINKED, SYNDROMIC 15. Identifiers: Orphanet 85289, Orphanet 85293, MedGen C1845861, MONDO:0010306, OMIM 300354.

Allele frequency attached by ClinVar (database versions not stated): gnomAD exomes 0.01821 and 0.01545; 1000 Genomes Project 30x 0.03371; gnomAD 0.01002 and 0.01173; ExAC 0.02180; ESP Exome Variant Server 0.00957; TOPMed 0.01268; 1000 Genomes Project 0.03470.
gnomAD v4.1: 17,514 of 1,163,690 alleles (1.5%); highest among the groups gnomAD compares: East Asian, 12%; 270 homozygotes.

Submissions (4):

Labcorp Genetics (formerly Invitae), Labcorp
Classification: Benign for X-linked intellectual disability Cabezas type. Last evaluated: 2026-01-27. Review status: criteria provided, single submitter. Criteria: Invitae Variant Classification Sherloc (09022015). Collection method: clinical testing. Allele origin: germline.

GeneDx
Classification: Benign. Last evaluated: 2015-11-13. Review status: criteria provided, single submitter. Criteria: GeneDx Variant Classification (06012015). Collection method: clinical testing. Allele origin: germline. Affected: yes.
Comment: This variant is considered likely benign or benign based on one or more of the following criteria: it is a conservative change, it occurs at a poorly conserved position in the protein, it is predicted to be benign by multiple in silico algorithms, and/or has population frequency not consistent with disease.

Ambry Genetics
Classification: Benign for Inborn genetic diseases. Last evaluated: 2015-09-03. Review status: criteria provided, single submitter. Criteria: Ambry Variant Classification Scheme 2023. Collection method: clinical testing. Allele origin: germline.

Breakthrough Genomics
Classification: Benign. Review status: criteria provided, single submitter. Criteria: ACMG Guidelines, 2015. Collection method: not provided. Allele origin: germline. Inheritance: X-linked inheritance. Affected: yes.

NM_001079872.2(CUL4B):c.1324+15G>A

Gene: CUL4B (cullin 4B; minus strand). Cytogenetic location: Xq24.
Variant type: single nucleotide variant.
Coding change: c.1324+15G>A on transcript NM_001079872.2 (MANE Select); 15 bases into the intron after coding-DNA position 1324, G replaced by A.
Molecular consequence: intron variant.
Genome position (GRCh38, 1-based): chrX:120,542,951, C>T on the plus strand (G>A on the coding strand, the complement: CUL4B is on the minus strand). VCF-style: chrX-120542951-C-T. GRCh37 (hg19) VCF-style: chrX-119676806-C-T.
Other names: c.1378+15G>A (NM_003588.4); c.1339+15G>A (NM_001330624.2); c.790+15G>A (NM_001369145.1).
Identifiers: ClinVar variation 377764 (VCV000377764.12), dbSNP rs143921252, ClinGen allele CA10505550.